The following is an entry in ClinVar:

NM_000435.3(NOTCH3):c.811T>C (p.Cys271Arg)

Gene: NOTCH3 (notch receptor 3; minus strand). Cytogenetic location: 19p13.12.
Variant type: single nucleotide variant.
Coding change: c.811T>C on transcript NM_000435.3 (MANE Select); coding-DNA position 811, T replaced by C.
Protein change: p.Cys271Arg; replaces cysteine 271 with arginine.
Molecular consequence: missense variant.
Genome position (GRCh38, 1-based): chr19:15,191,649, A>G on the plus strand (T>C on the coding strand, the complement: NOTCH3 is on the minus strand). VCF-style: chr19-15191649-A-G. GRCh37 (hg19) VCF-style: chr19-15302460-A-G.
Other names: short protein forms C271R.
Identifiers: ClinVar variation 995057 (VCV000995057.1), dbSNP rs2046927630, ClinGen allele CA404531909.

ClinVar aggregate classification (germline): Pathogenic (1 of 4 stars; one submission).

Submission:

Athena Diagnostics
Classification: Pathogenic. Last evaluated: 2020-07-06. Review status: criteria provided, single submitter. Criteria: Athena Diagnostics Criteria. Collection method: clinical testing. Allele origin: unknown.
Comment: The variant disrupts a cysteine residue in an EGF-like repeat domain, which is important for the structure of this protein. Therefore it is expected to severely affect the function of the protein. Found in at least one patient with expected phenotype for this gene, and not found in general population data. One other pathogenic or likely pathogenic variant affects the same amino acid.